The following is an entry in ClinVar:

NM_000321.3(RB1):c.1919A>C (p.Lys640Thr)

Gene: RB1 (RB transcriptional corepressor 1; plus strand). Cytogenetic location: 13q14.2.
Variant type: single nucleotide variant.
Coding change: c.1919A>C on transcript NM_000321.3 (MANE Select); coding-DNA position 1919, A replaced by C.
Protein change: p.Lys640Thr; replaces lysine 640 with threonine.
Molecular consequence: missense variant.
Genome position (GRCh38, 1-based): chr13:48,456,308, A>C. VCF-style: chr13-48456308-A-C. GRCh37 (hg19) VCF-style: chr13-49030444-A-C.
Other names: short protein forms K640T.
Identifiers: ClinVar variation 940310 (VCV000940310.9), dbSNP rs1949359821, ClinGen allele CA388166137.

ClinVar aggregate classification (germline): Uncertain significance (1 of 4 stars; one submission).

Conditions:
Retinoblastoma (RB1). Also called: RETINOBLASTOMA, SOMATIC. Identifiers: Orphanet 790, MedGen C0035335, MeSH D012175, MONDO:0008380, OMIM 180200, HP:0009919. Disease mechanism: loss of function. Inheritance: Both sporadic and heritable forms are tested..

Submission:

Labcorp Genetics (formerly Invitae), Labcorp
Classification: Uncertain significance for Retinoblastoma. Last evaluated: 2021-08-26. Review status: criteria provided, single submitter. Criteria: Invitae Variant Classification Sherloc (09022015). Collection method: clinical testing. Allele origin: germline.
Comment: In summary, the available evidence is currently insufficient to determine the role of this variant in disease. Therefore, it has been classified as a Variant of Uncertain Significance. Algorithms developed to predict the effect of missense changes on protein structure and function (SIFT, PolyPhen-2, Align-GVGD) all suggest that this variant is likely to be disruptive, but these predictions have not been confirmed by published functional studies and their clinical significance is uncertain. This variant has not been reported in the literature in individuals with RB1-related conditions. This variant is not present in population databases (ExAC no frequency). This sequence change replaces lysine with threonine at codon 640 of the RB1 protein (p.Lys640Thr). The lysine residue is highly conserved and there is a moderate physicochemical difference between lysine and threonine.